The following is an entry in ClinVar:

NM_001378454.1(ALMS1):c.9791T>C (p.Leu3264Ser)

Gene: ALMS1 (ALMS1 centrosome and basal body associated protein; plus strand). Cytogenetic location: 2p13.1.
Variant type: single nucleotide variant.
Coding change: c.9791T>C on transcript NM_001378454.1 (MANE Select); coding-DNA position 9791, T replaced by C.
Protein change: p.Leu3264Ser; replaces leucine 3264 with serine.
Molecular consequence: missense variant.
Genome position (GRCh38, 1-based): chr2:73,534,833, T>C. VCF-style: chr2-73534833-T-C. GRCh37 (hg19) VCF-style: chr2-73761960-T-C.
Other names: c.9794T>C, p.Leu3265Ser (NM_015120.4); short protein forms L3264S, L3265S.
Identifiers: ClinVar variation 4074683 (VCV004074683.1).
Genomic context (GRCh38, chr2:73,534,833, plus strand): 5'-TGAATTAACAAATGTTTTTCATATTAATTGTTCTGATTTTTACCTCCTTAGGCCAGCCTT[T>C]ATTATTGCCATATAAGCCTTCTGGTAGTACCAAGATGTATTATGTTCCACAATTAAGACA-3'
Protein context (NP_001365383.1, residues 3254-3274): TFSRGTDGQP[Leu3264Ser]LLPYKPSGST

ClinVar aggregate classification (germline): Uncertain significance (1 of 4 stars; one submission).

Submission:

GeneDx
Classification: Uncertain significance. Last evaluated: 2025-02-11. Review status: criteria provided, single submitter. Criteria: GeneDx Variant Classification Process June 2021. Collection method: clinical testing. Allele origin: germline. Affected: yes.
Comment: Not observed at significant frequency in large population cohorts (gnomAD); In silico analysis indicates that this missense variant does not alter protein structure/function; Has not been previously published as pathogenic or benign to our knowledge